The following is an entry in ClinVar:

NM_153460.4(IL17RC):c.2155G>C (p.Gly719Arg)

Genes: IL17RC (interleukin 17 receptor C; plus strand), LOC129936144 (ATAC-STARR-seq lymphoblastoid silent region 14051; plus strand). Cytogenetic location: 3p25.3.
Variant type: single nucleotide variant.
Coding change: c.2155G>C on transcript NM_153460.4 (MANE Select); coding-DNA position 2155, G replaced by C.
Protein change: p.Gly719Arg; replaces glycine 719 with arginine.
Molecular consequence: missense variant. On other transcripts: non-coding transcript variant (1).
Genome position (GRCh38, 1-based): chr3:9,933,585, G>C. VCF-style: chr3-9933585-G-C. GRCh37 (hg19) VCF-style: chr3-9975269-G-C.
Other names: c.2116G>C, p.Gly706Arg (NM_001203263.2); c.2065G>C, p.Gly689Arg (NM_001203264.2); c.2059G>C, p.Gly687Arg (NM_001203265.2); c.2077G>C, p.Gly693Arg (NM_001367278.1); c.1996G>C, p.Gly666Arg (NM_001367279.1); c.2071G>C, p.Gly691Arg (NM_001367280.1); c.2020G>C, p.Gly674Arg (NM_001410711.1); c.2110G>C, p.Gly704Arg (NM_032732.6); and 1 more; short protein forms G693R, G719R, G666R, G674R, G691R, G687R, G706R, G790R.
Identifiers: ClinVar variation 2383051 (VCV002383051.5), dbSNP rs777636561, ClinGen allele CA2247515.

ClinVar aggregate classification (germline): Conflicting classifications of pathogenicity. Review status: criteria provided, conflicting classifications (1 of 4 stars). 2 submissions from 2 submitters: Uncertain significance (1); Likely benign (1). Last evaluated 2024-12-23.

Conditions:
Candidiasis, familial, 9 (CANDF9). Identifiers: Orphanet 1334, MedGen C4225324, MONDO:0014642, OMIM 616445.

gnomAD v4.1: 43 of 1,594,312 alleles (0.0027%); highest among the groups gnomAD compares: Middle Eastern, 0.056%; 1 homozygote.

Submissions (2):

Labcorp Genetics (formerly Invitae), Labcorp
Classification: Uncertain significance for Candidiasis, familial, 9. Last evaluated: 2024-12-23. Review status: criteria provided, single submitter. Criteria: Invitae Variant Classification Sherloc (09022015). Collection method: clinical testing. Allele origin: germline.
Comment: This sequence change replaces glycine, which is neutral and non-polar, with arginine, which is basic and polar, at codon 790 of the IL17RC protein (p.Gly790Arg). This variant is present in population databases (rs777636561, gnomAD 0.009%). This variant has not been reported in the literature in individuals affected with IL17RC-related conditions. ClinVar contains an entry for this variant (Variation ID: 2383051). An algorithm developed to predict the effect of missense changes on protein structure and function outputs the following: PolyPhen-2: "Not Available". The arginine amino acid residue is found in multiple mammalian species, which suggests that this missense change does not adversely affect protein function. In summary, the available evidence is currently insufficient to determine the role of this variant in disease. Therefore, it has been classified as a Variant of Uncertain Significance.

Ambry Genetics
Classification: Likely benign. Last evaluated: 2021-06-22. Review status: criteria provided, single submitter. Criteria: Ambry Variant Classification Scheme 2023. Collection method: clinical testing. Allele origin: germline.